The following is an entry in ClinVar:

ClinVar aggregate classification (germline): Pathogenic. Review status: criteria provided, multiple submitters, no conflicts (2 of 4 stars). 10 submissions from 10 submitters: Pathogenic (10). Last evaluated 2026-02-08.

Conditions:
SPTA1-related disorder. Also called: SPTA1-related condition; SPTA1-related disorders.
Hereditary spherocytosis type 3. Also called: Spherocytosis type 3; SPTA1-Related Spherocytosis. Identifiers: Orphanet 822, MedGen C2678338, MONDO:0010053, OMIM 270970.

Allele frequency attached by ClinVar (database versions not stated): gnomAD 0.00001; TOPMed 0.00001.
gnomAD v4.1: 19 of 1,613,896 alleles (0.0012%); highest among the groups gnomAD compares: East Asian, 0.0067%; no homozygotes.

Submissions (10):

PreventionGenetics, part of Exact Sciences
Classification: Pathogenic for SPTA1-related condition. Last evaluated: 2026-02-08. Review status: criteria provided, single submitter. Criteria: ACMG Guidelines, 2015. Collection method: clinical testing. Allele origin: germline.
Comment: The SPTA1 c.2671C>T variant is predicted to result in premature protein termination (p.Arg891*). This variant has been reported in the homozygous state due to uniparental isodisomy in a patient with hereditary spherocytosis (Bogardus et al 2014. PubMed ID: 24895341). This variant has also been reported with a second SPTA1 variant in an individual with hereditary spherocytosis (Chonat S et al 2019. PubMed ID: 31333484). This variant is reported in 0.010% of alleles in individuals of East Asian descent in gnomAD. Nonsense variants in SPTA1 are expected to be pathogenic. This variant is interpreted as pathogenic.

Labcorp Genetics (formerly Invitae), Labcorp
Classification: Pathogenic. Last evaluated: 2025-12-19. Review status: criteria provided, single submitter. Criteria: Invitae Variant Classification Sherloc (09022015). Collection method: clinical testing. Allele origin: germline.
Comment: This sequence change creates a premature translational stop signal (p.Arg891*) in the SPTA1 gene. It is expected to result in an absent or disrupted protein product. Loss-of-function variants in SPTA1 are known to be pathogenic (PMID: 9192783, 18815189, 31333484, 31723846, 32266426). This variant is present in population databases (rs755630903, gnomAD 0.01%). This premature translational stop signal has been observed in individual(s) with spherocytosis (PMID: 24895341, 31333484). ClinVar contains an entry for this variant (Variation ID: 1163657). For these reasons, this variant has been classified as Pathogenic.

3billion
Classification: Pathogenic for Hereditary spherocytosis type 3. Last evaluated: 2025-12-15. Review status: criteria provided, single submitter. Criteria: ACMG Guidelines, 2015. Collection method: clinical testing. Allele origin: germline. Affected: yes.
Comment: The variant is observed at an extremely low frequency in the gnomAD v4.1.0 dataset (total allele frequency: 0.001%). Predicted Consequence/Location: Stop-gained (nonsense): predicted to result in a loss or disruption of normal protein function through nonsense-mediated decay (NMD) or protein truncation. Multiple pathogenic variants are reported downstream of the variant. The variant has been reported at least twice as pathogenic with clinical assertions and evidence for the classification (ClinVar ID: VCV001163657 /PMID: 24895341). Therefore, this variant is classified as Pathogenic according to the recommendation of ACMG/AMP guideline.

Center for Genomic Medicine, Rigshospitalet, Copenhagen University Hospital
Classification: Pathogenic. Last evaluated: 2025-03-04. Review status: criteria provided, single submitter. Criteria: ACMG Guidelines, 2015. Collection method: clinical testing. Allele origin: germline.

Revvity Omics, Revvity
Classification: Pathogenic. Last evaluated: 2024-02-05. Review status: criteria provided, single submitter. Criteria: ACMG Guidelines, 2015. Collection method: clinical testing. Allele origin: germline.

Victorian Clinical Genetics Services, Murdoch Childrens Research Institute
Classification: Pathogenic for Hereditary spherocytosis type 3. Last evaluated: 2023-07-17. Review status: criteria provided, single submitter. Criteria: ACMG Guidelines, 2015. Collection method: clinical testing. Allele origin: germline. Inheritance: Autosomal dominant inheritance. Affected: yes.
Comment: Based on the classification scheme VCGS_Germline_v1.3.4, this variant is classified as Pathogenic. Following criteria are met: 0102 - Loss of function is a known mechanism of disease in this gene and is associated with elliptocytosis-2 (HE; MIM#130600), pyropoikilocytosis (HPP; MIM#266140) and spherocytosis, type 3 (HS; MIM#270970). (I) 0108 - This gene is associated with both recessive and dominant disease. Autosomal dominant HE are caused by variants resulting in structural defects, mostly located within the a-0 spectrin repeat (PMID: 18218854). HE-causing variants combined with low expression variants frequently results in HPP (PMID: 27667160). Finally, HS is a result of severe deficiency of a-spectrin (PMID: 31364155). (I) 0115 - Variants in this gene are known to have variable expressivity (PMID: 31364155). (I) 0201 - Variant is predicted to cause nonsense-mediated decay (NMD) and loss of protein (premature termination codon is located at least 54 nucleotides upstream of the final exon-exon junction). (SP) 0251 - This variant is heterozygous. (I) 0304 - Variant is present in gnomAD <0.01 (v2: 4 heterozygotes, 0 homozygotes). (SP) 0701 - Other NMD-predicted variants comparable to the one identified in this case have very strong previous evidence for pathogenicity (ClinVar). (SP) 0801 - This variant has strong previous evidence of pathogenicity in unrelated individuals. It has been reported in at least two homozygotes and one compound heterozygote with HS (MIM#270970; PMIDs: 24895341, 31333484, 35950897); and classified as pathogenic by diagnostic laboratories in ClinVar. (SP) 1208 - Inheritance information for this variant is not currently available in this individual. (I) Legend: (SP) - Supporting pathogenic, (I) - Information, (SB) - Supporting benign

ARUP Laboratories, Molecular Genetics and Genomics, ARUP Laboratories
Classification: Pathogenic. Last evaluated: 2023-06-27. Review status: criteria provided, single submitter. Criteria: ARUP Molecular Germline Variant Investigation Process 2024. Collection method: clinical testing. Allele origin: germline.
Comment: The SPTA1 c.2671C>T;p.Arg891Ter variant (rs755630903) is reported in two individuals, one affected with moderately severe hereditary spherocytosis and the other affected with severe transfusion-dependent hereditary spherocytosis (Bogardus 2014, Chonat 2019). This variant is reported in ClinVar (Variation ID: 1163657). This variant is found in the general population with an overall allele frequency of 0.001% (4/280,848 alleles) in the Genome Aggregation Database. This variant induces an early termination codon and is predicted to result in a truncated protein or mRNA subject to nonsense-mediated decay. Based on available information, this variant is considered to be pathogenic. REFERENCES Bogardus H et al. Severe nondominant hereditary spherocytosis due to uniparental isodisomy at the SPTA1 locus. Haematologica. 2014 Sep. PMID: 24895341 Chonat S et al. The Spectrum of SPTA1-Associated Hereditary Spherocytosis. Front Physiol. 2019 PMID: 31333484

Mayo Clinic Laboratories, Mayo Clinic
Classification: Pathogenic. Last evaluated: 2023-05-25. Review status: criteria provided, single submitter. Criteria: ACMG Guidelines, 2015. Collection method: clinical testing. Allele origin: germline. Observed: 6 variant alleles.

GeneDx
Classification: Pathogenic. Last evaluated: 2022-11-17. Review status: criteria provided, single submitter. Criteria: GeneDx Variant Classification Process June 2021. Collection method: clinical testing. Allele origin: germline. Affected: yes.
Comment: Nonsense variant predicted to result in protein truncation or nonsense mediated decay in a gene for which loss of function is a known mechanism of disease; This variant is associated with the following publications: (PMID: 31333484, 31038472, 24895341, 1954389)

Blueprint Genetics
Classification: Pathogenic for SPTA1-related disorders. Last evaluated: 2022-07-21. Review status: criteria provided, single submitter. Criteria: ACMG Guidelines, 2015. Collection method: clinical testing. Allele origin: germline. Affected: yes. Observed: 5 variant alleles.

Literature cited by the submitters: PubMed 9192783 (cited by Labcorp Genetics (formerly Invitae), Labcorp); PubMed 18815189 (cited by Labcorp Genetics (formerly Invitae), Labcorp); PubMed 31333484 (cited by 4 submitters); PubMed 31723846 (cited by Labcorp Genetics (formerly Invitae), Labcorp); PubMed 32266426 (cited by Labcorp Genetics (formerly Invitae), Labcorp); PubMed 24895341 (cited by 5 submitters); PubMed 18218854 (cited by Victorian Clinical Genetics Services, Murdoch Childrens Research Institute); PubMed 27667160 (cited by Victorian Clinical Genetics Services, Murdoch Childrens Research Institute); PubMed 31364155 (cited by Victorian Clinical Genetics Services, Murdoch Childrens Research Institute); PubMed 35950897 (cited by Victorian Clinical Genetics Services, Murdoch Childrens Research Institute); PubMed 35351432 (cited by Mayo Clinic Laboratories, Mayo Clinic); PubMed 35845192 (cited by Mayo Clinic Laboratories, Mayo Clinic).

NM_003126.4(SPTA1):c.2671C>T (p.Arg891Ter)

Gene: SPTA1 (spectrin alpha, erythrocytic 1; minus strand). Cytogenetic location: 1q23.1.
Variant type: single nucleotide variant.
Coding change: c.2671C>T on transcript NM_003126.4 (MANE Select); coding-DNA position 2671, C replaced by T.
Protein change: p.Arg891Ter; replaces arginine 891 with a stop codon.
Molecular consequence: nonsense.
Genome position (GRCh38, 1-based): chr1:158,657,611, G>A on the plus strand (C>T on the coding strand, the complement: SPTA1 is on the minus strand). VCF-style: chr1-158657611-G-A. GRCh37 (hg19) VCF-style: chr1-158627401-G-A.
Other names: c.2671C>T (NM_003126.3); short protein forms R891*.
Identifiers: ClinVar variation 1163657 (VCV001163657.30), dbSNP rs755630903, ClinGen allele CA1183313.
Genomic context (GRCh38, chr1:158,657,611, plus strand): 5'-CTTCATGCAGGTCAGCCAGGTACTGCTGGAACTGGACATTGGCTTCAAGATCATTTTGTC[G>A]CCTAGCAGCTCGAGCACGGAGAGACTCCATATTCTGGTTCAAACTCTTGACCCTAGAGGC-3'